The following is an entry in ClinVar:

ClinVar aggregate classification (germline): Pathogenic (1 of 4 stars; one submission).

Conditions:
Familial aortopathy. Identifiers: MedGen CN078214.

Submission:

Women's Health and Genetics/Laboratory Corporation of America, LabCorp
Classification: Pathogenic for Familial aortopathy. Last evaluated: 2024-01-19. Review status: criteria provided, single submitter. Criteria: LabCorp Variant Classification Summary - May 2015. Collection method: clinical testing. Allele origin: germline.
Comment: Variant summary: The variant involves the deletion of the last 2 nucleotides of exon 32, together with (intron32 and) the full deletion of exons 33-35 of the COL3A1 gene. Since this Copy Number Variant (CNV) directly removes a large part of the protein, and also involves a partial deletion of exon 32 spanning a canonical splice-site, therefore is predicted to result in loss-of-function. A presumed nomenclature of c.2282_2446-56del3006 has been designated for the purposes of this classification. The variant was absent in ~120,000 control chromosomes in the gnomAD database (Structural Variants dataset 4.0). To our knowledge, no occurrence of c.2282_2446-56del3006 in individuals affected with Aortopathy and no experimental evidence demonstrating its impact on protein function have been reported. No submitters have cited clinical-significance assessments for this variant to ClinVar. Based on the evidence outlined above, the variant was classified as pathogenic.

NM_000090.4(COL3A1):c.2282_2446-56del

Genes: COL3A1 (collagen type III alpha 1 chain; plus strand), LOC126806446 (P300/CBP strongly-dependent group 1 enhancer GRCh37_chr2:189866210-189867409; plus strand). Cytogenetic location: 2q32.2.
Variant type: Deletion.
Coding change: c.2282_2446-56del on transcript NM_000090.4 (MANE Select); coding-DNA position 2282 through 56 bases into the intron before coding-DNA position 2446, 3,006 bases deleted.
Molecular consequence: splice acceptor variant, splice donor variant.
Genome position (GRCh38, 1-based): chr2:188,999,894-189,002,899, 3,006 bases deleted. GRCh37 (hg19): chr2:189,864,620-189,867,625.
Identifiers: ClinVar variation 3063980 (VCV003063980.1), ClinGen allele CA2740096383.